The following is an entry in ClinVar:

ClinVar aggregate classification (germline): Uncertain significance (1 of 4 stars; one submission).

Conditions:
Charcot-Marie-Tooth disease, type I (CMT1). Also called: Charcot-Marie-Tooth, Type 1; Charcot-Marie-Tooth disease type 1. Identifiers: Orphanet 65753, MedGen C0751036, MONDO:0019011.

Submission:

Labcorp Genetics (formerly Invitae), Labcorp
Classification: Uncertain significance for Charcot-Marie-Tooth disease, type I. Last evaluated: 2025-10-21. Review status: criteria provided, single submitter. Criteria: Invitae Variant Classification Sherloc (09022015). Collection method: clinical testing. Allele origin: germline.
Comment: This sequence change replaces glycine, which is neutral and non-polar, with glutamic acid, which is acidic and polar, at codon 241 of the MPZ protein (p.Gly241Glu). This variant is present in population databases (rs775575673, gnomAD 0.002%). This variant has not been reported in the literature in individuals affected with MPZ-related conditions. An algorithm developed to predict the effect of missense changes on protein structure and function (PolyPhen-2) suggests that this variant is likely to be disruptive. Algorithms developed to predict the effect of sequence changes on RNA splicing suggest that this variant may create or strengthen a splice site. In summary, the available evidence is currently insufficient to determine the role of this variant in disease. Therefore, it has been classified as a Variant of Uncertain Significance.

NM_000530.8(MPZ):c.722G>A (p.Gly241Glu)

Gene: MPZ (myelin protein zero; minus strand). Cytogenetic location: 1q23.3.
Variant type: single nucleotide variant.
Coding change: c.722G>A on transcript NM_000530.8 (MANE Select); coding-DNA position 722, G replaced by A.
Protein change: p.Gly241Glu; replaces glycine 241 with glutamic acid.
Molecular consequence: missense variant.
Genome position (GRCh38, 1-based): chr1:161,305,901, C>T on the plus strand (G>A on the coding strand, the complement: MPZ is on the minus strand). VCF-style: chr1-161305901-C-T. GRCh37 (hg19) VCF-style: chr1-161275691-C-T.
Other names: c.722G>A, p.Gly241Glu (NM_001315491.2); short protein forms G241E.
Identifiers: ClinVar variation 4726400 (VCV004726400.1).